The following is an entry in ClinVar:

ClinVar aggregate classification (germline): Uncertain significance (1 of 4 stars; one submission).

gnomAD v4.1: 1 of 1,552,622 alleles (0.000064%); highest among the groups gnomAD compares: Non-Finnish European, 0.000087%; no homozygotes.

Submission:

GeneDx
Classification: Uncertain significance. Last evaluated: 2024-09-06. Review status: criteria provided, single submitter. Criteria: GeneDx Variant Classification Process June 2021. Collection method: clinical testing. Allele origin: germline. Affected: yes.
Comment: In silico analysis indicates that this missense variant does not alter protein structure/function; Has not been previously published as pathogenic or benign to our knowledge

NM_020822.3(KCNT1):c.1600G>T (p.Val534Leu)

Gene: KCNT1 (potassium sodium-activated channel subfamily T member 1; plus strand). Cytogenetic location: 9q34.3.
Variant type: single nucleotide variant.
Coding change: c.1600G>T on transcript NM_020822.3 (MANE Select); coding-DNA position 1600, G replaced by T.
Protein change: p.Val534Leu; replaces valine 534 with leucine.
Molecular consequence: missense variant.
Genome position (GRCh38, 1-based): chr9:135,770,036, G>T. VCF-style: chr9-135770036-G-T. GRCh37 (hg19) VCF-style: chr9-138661882-G-T.
Other names: c.1465G>T, p.Val489Leu (NM_001272003.2); short protein forms V489L, V534L.
Identifiers: ClinVar variation 3767447 (VCV003767447.1).